The following is an entry in ClinVar:

ClinVar aggregate classification (germline): Pathogenic (1 of 4 stars; one submission).

Submission:

Labcorp Genetics (formerly Invitae), Labcorp
Classification: Pathogenic. Last evaluated: 2023-04-07. Review status: criteria provided, single submitter. Criteria: Invitae Variant Classification Sherloc (09022015). Collection method: clinical testing. Allele origin: unknown.
Comment: For these reasons, this variant has been classified as Pathogenic. This variant disrupts a region of the COL4A4 protein in which other variant(s) (p.Pro444_Leu449del) have been determined to be pathogenic (PMID: 9792860, 25307543, 27281700, 30745910). This suggests that this is a clinically significant region of the protein, and that variants that disrupt it are likely to be disease-causing. This variant has not been reported in the literature in individuals affected with COL4A4-related conditions. This variant is a gross deletion of the genomic region encompassing exon(s) 20 of the COL4A4 gene. This variant would be expected to be in-frame, preserving the integrity of the reading frame.

Literature cited by the submitters: PubMed 9792860; PubMed 25307543; PubMed 27281700; PubMed 30745910.

NC_000002.11:g.(?_227958821)_(227959025_?)del

Gene: COL4A4 (collagen type IV alpha 4 chain; minus strand). Cytogenetic location: 2q36.3.
Variant type: Deletion.
Identifiers: ClinVar variation 3247442 (VCV003247442.1).